The following is an entry in ClinVar:

NM_000492.4(CFTR):c.1360_1364del (p.Leu454fs)

Genes: CFTR-AS1 (CFTR antisense RNA 1; minus strand), CFTR (CF transmembrane conductance regulator; plus strand). Cytogenetic location: 7q31.2.
Variant type: Deletion.
Coding change: c.1360_1364del on transcript NM_000492.4 (MANE Select); coding-DNA positions 1360 to 1364, 5 bases deleted (TTGGC; older notation c.1360_1364delTTGGC).
Protein change: p.Leu454fs; shifts the reading frame from leucine 454.
Molecular consequence: frameshift variant.
Genome position (GRCh38, 1-based): chr7:117,548,791-117,548,795, TTGGC deleted. VCF-style (leftmost placement, unchanged base first): chr7-117548790-GTTGGC-G. GRCh37 (hg19) VCF-style: chr7-117188844-GTTGGC-G.
Other names: c.1360_1364delTTGGC, p.Leu454Glyfs (NM_000492.3); short protein forms L454fs.
Identifiers: ClinVar variation 4818469 (VCV004818469.1).

ClinVar aggregate classification (germline): Likely pathogenic (1 of 4 stars; one submission).

Conditions:
CFTR-related disorder (CFTR-RD). Also called: CFTR-related disorders; CFTR-related condition. Identifiers: MedGen C5924204, MONDO:7770004.

Submission:

Natera, Inc.
Classification: Likely pathogenic for CFTR-related disorders. Last evaluated: 2026-01-06. Review status: criteria provided, single submitter. Criteria: Natera Variant Classification Schema (03/2026). Collection method: clinical testing. Allele origin: germline.
Comment: The c.1360_1364del variant in CFTR is a frameshift variant predicted to shift the reading frame beginning at codon 454 and leads to a stop codon 26 codons downstream. This variant is expected to result in nonsense mediated decay, truncation, or a dysfunctional protein product. This variant is rare in the general population with a frequency below the threshold expected for the associated phenotype(s). Given the available evidence, this variant is classified as Likely Pathogenic.